The following is an entry in ClinVar:

NM_000135.4(FANCA):c.3677C>G (p.Ser1226Ter)

Gene: FANCA (FA complementation group A; minus strand). Cytogenetic location: 16q24.3.
Variant type: single nucleotide variant.
Coding change: c.3677C>G on transcript NM_000135.4 (MANE Select); coding-DNA position 3677, C replaced by G.
Protein change: p.Ser1226Ter; replaces serine 1226 with a stop codon.
Molecular consequence: nonsense.
Genome position (GRCh38, 1-based): chr16:89,742,888, G>C on the plus strand (C>G on the coding strand, the complement: FANCA is on the minus strand). VCF-style: chr16-89742888-G-C. GRCh37 (hg19) VCF-style: chr16-89809296-G-C.
Other names: c.3677C>G, p.Ser1226Ter (NM_001286167.3); short protein forms S1226*.
Identifiers: ClinVar variation 5003297 (VCV005003297.1).
Genomic context (GRCh38, chr16:89,742,888, plus strand): 5'-AGCTGCTTCCTGATGTTTTCTTCCCTGACTTGTTGAATCGCAAAGTGCAGTGCAGCAGCT[G>C]AGAGCCAGTCCGGGTTGGGTGCTGGGGAGGCAGCCTCAGGGGAGAGGAAACTGGGACAGA-3'

ClinVar aggregate classification (germline): Pathogenic (1 of 4 stars; one submission).

Conditions:
Fanconi anemia complementation group A (FANCA). Also called: Fanconi anemia, group A; FANCA-Related Fanconi Anemia. Identifiers: Orphanet 84, MedGen C3469521, MONDO:0009215, OMIM 227650.

Submission:

Myriad Genetics, Inc.
Classification: Pathogenic for Fanconi anemia complementation group A. Last evaluated: 2025-07-25. Review status: criteria provided, single submitter. Criteria: Myriad Autosomal Dominant, Autosomal Recessive and X-Linked Classification Criteria (2023). Collection method: clinical testing. Allele origin: unknown.
Comment: NM_000135.2(FANCA):c.3677C>G(S1226*) is a nonsense variant classified as pathogenic in the context of Fanconi anemia complementation group A. S1226* has been observed in a case with relevant disease (PMID: 26799702, 34585473). Relevant functional assessments of this variant are not available in the literature. S1226* has not been observed in referenced population frequency databases. In summary, NM_000135.2(FANCA):c.3677C>G(S1226*) is a nonsense variant in a gene where loss of function is a known mechanism of disease, is predicted to disrupt protein function, and has been observed more frequently in cases with the relevant disease than in healthy populations. Please note: this variant was assessed in the context of healthy population screening.

Literature cited by the submitters: PubMed 26799702; PubMed 34585473.